The following is an entry in ClinVar:

ClinVar aggregate classification (germline): Pathogenic. Review status: reviewed by expert panel (3 of 4 stars). 6 submissions from 6 submitters: Pathogenic (1). 5 of the submissions do not count toward it. Last evaluated 2016-10-18.

Conditions:
Hereditary cancer-predisposing syndrome. Also called: Tumor predisposition; Hereditary Cancer Syndrome; Neoplastic Syndromes, Hereditary; Hereditary neoplastic syndrome. Identifiers: Orphanet 140162, MedGen C0027672, MeSH D009386, MONDO:0015356.
Hereditary breast ovarian cancer syndrome. Also called: Hereditary breast and ovarian cancer syndrome; Hereditary breast and ovarian cancer; Hereditary breast and ovarian cancer syndrome (HBOC); BRCA1- and BRCA2-Associated Hereditary Breast and Ovarian Cancer; Hereditary breast and/or ovarian cancer syndrome; Breast and ovarian cancer. Identifiers: Orphanet 145, MedGen C0677776, MeSH D061325, MONDO:0003582. Disease mechanism: loss of function.
Breast-ovarian cancer, familial, susceptibility to, 1 (BROVCA1). Also called: OVARIAN CANCER, SUSCEPTIBILITY TO; BRCA1 Hereditary Breast and Ovarian Cancer. Identifiers: Orphanet 145, MedGen C2676676, MONDO:0011450, OMIM 604370. Disease mechanism: loss of function.

Submissions (6):

Evidence-based Network for the Interpretation of Germline Mutant Alleles (ENIGMA)
Classification: Pathogenic for Breast-ovarian cancer, familial, susceptibility to, 1. Last evaluated: 2016-10-18. Review status: reviewed by expert panel. Criteria: ENIGMA BRCA1/2 Classification Criteria (2015). Collection method: curation. Allele origin: germline.
Comment: Variant allele predicted to encode a truncated non-functional protein.

Ambry Genetics
Classification: Pathogenic for Hereditary cancer-predisposing syndrome. Last evaluated: 2025-06-02. Review status: criteria provided, single submitter. Criteria: Ambry Variant Classification Scheme 2023. Collection method: clinical testing. Allele origin: germline. Not counted in ClinVar's aggregate classification.
Comment: The c.2481delA pathogenic mutation, located in coding exon 9 of the BRCA1 gene, results from a deletion of one nucleotide at nucleotide position 2481, causing a translational frameshift with a predicted alternate stop codon (p.G828Afs*18). This variant was identified in a large, worldwide study of BRCA1/2 mutation positive families (Rebbeck TR et al. Hum. Mutat., 2018 05;39:593-620). This variant is considered to be rare based on population cohorts in the Genome Aggregation Database (gnomAD). In addition to the clinical data presented in the literature, this alteration is expected to result in loss of function by premature protein truncation or nonsense-mediated mRNA decay. As such, this alteration is interpreted as a disease-causing mutation.

Labcorp Genetics (formerly Invitae), Labcorp
Classification: Pathogenic for Hereditary breast ovarian cancer syndrome. Last evaluated: 2025-02-15. Review status: criteria provided, single submitter. Criteria: Invitae Variant Classification Sherloc (09022015). Collection method: clinical testing. Allele origin: germline. Not counted in ClinVar's aggregate classification.
Comment: This sequence change creates a premature translational stop signal (p.Gly828Alafs*18) in the BRCA1 gene. It is expected to result in an absent or disrupted protein product. Loss-of-function variants in BRCA1 are known to be pathogenic (PMID: 20104584). This variant is not present in population databases (gnomAD no frequency). This premature translational stop signal has been observed in individual(s) with breast cancer (PMID: 25066507). ClinVar contains an entry for this variant (Variation ID: 266267). For these reasons, this variant has been classified as Pathogenic.

CeGaT Center for Human Genetics Tuebingen
Classification: Pathogenic. Last evaluated: 2024-09-01. Review status: criteria provided, single submitter. Criteria: CeGaT Center For Human Genetics Tuebingen Variant Classification Criteria Version 2. Collection method: clinical testing. Allele origin: germline. Affected: yes. Observed: 1 variant allele. Not counted in ClinVar's aggregate classification.
Comment: BRCA1: PVS1, PM2

GeneDx
Classification: Pathogenic. Last evaluated: 2017-05-25. Review status: criteria provided, single submitter. Criteria: GeneDx Variant Classification (06012015). Collection method: clinical testing. Allele origin: germline. Affected: yes. Not counted in ClinVar's aggregate classification.
Comment: This deletion of one nucleotide in BRCA1 is denoted c.2481delA at the cDNA level and p.Gly828AlafsX18 (G828AfsX18) at the protein level. The normal sequence, with the base that is deleted in brackets, is CAGA[delA]GGCT. The deletion causes a frameshift which changes a Glycine to an Alanine at codon 828, and creates a premature stop codon at position 18 of the new reading frame. This variant is predicted to cause loss of normal protein function through either protein truncation or nonsense-mediated mRNA decay. BRCA1 c.2481delA has been observed in an individual with breast cancer (Janavicius 2014). We consider this variant to be pathogenic.

Consortium of Investigators of Modifiers of BRCA1/2 (CIMBA), c/o University of Cambridge
Classification: Pathogenic for Breast-ovarian cancer, familial, susceptibility to, 1. Last evaluated: 2015-10-02. Review status: criteria provided, single submitter. Criteria: CIMBA Mutation Classification guidelines May 2016. Collection method: clinical testing. Allele origin: germline. Not counted in ClinVar's aggregate classification.

Literature cited by the submitters: PubMed 25066507 (cited by Ambry Genetics and Labcorp Genetics (formerly Invitae), Labcorp); PubMed 29446198 (cited by Ambry Genetics); PubMed 20104584 (cited by Labcorp Genetics (formerly Invitae), Labcorp).

NM_007294.4(BRCA1):c.2481del (p.Gly828fs)

Gene: BRCA1 (BRCA1 DNA repair associated; minus strand). Cytogenetic location: 17q21.31.
Variant type: Deletion.
Coding change: c.2481del on transcript NM_007294.4 (MANE Select); coding-DNA position 2481, one base deleted (A; older notation c.2481delA).
Protein change: p.Gly828fs; shifts the reading frame from glycine 828.
Molecular consequence: frameshift variant. On other transcripts: intron variant (137).
Genome position (GRCh38, 1-based): chr17:43,093,050, T deleted on the plus strand (A on the coding strand, the reverse complement: BRCA1 is on the minus strand); the first of 2 consecutive T bases (chr17:43,093,050-43,093,051); deleting either gives the same sequence. VCF-style (leftmost placement, unchanged base first): chr17-43093049-CT-C. GRCh37 (hg19) VCF-style: chr17-41245066-CT-C.
Other names: 2599delA; c.2481delA (NM_007294.3); c.2268del, p.Gly757fs (NM_001407571.1, NM_001407853.1, NM_001407894.1 and 9 more transcripts); c.2481del, p.Gly828fs (NM_001407581.1, NM_001407582.1, NM_001407583.1 and 30 more transcripts); c.2478del, p.Gly827fs (NM_001407587.1, NM_001407590.1, NM_001407591.1 and 22 more transcripts); c.2472del, p.Gly825fs (NM_001407646.1, NM_001407647.1); c.2358del, p.Gly787fs (NM_001407648.1, NM_001407664.1, NM_001407665.1 and 19 more transcripts); c.2355del, p.Gly786fs (NM_001407649.1, NM_001407670.1, NM_001407671.1 and 11 more transcripts); and 43 more; short protein forms G828fs, G781fs, G660fs, G701fs, G739fs, G758fs, G760fs, G761fs.
Identifiers: ClinVar variation 266267 (VCV000266267.27), dbSNP rs886040042, ClinGen allele CA10589849.